The following is an entry in ClinVar:

NM_000350.3(ABCA4):c.5836-167C>T

Gene: ABCA4 (ATP binding cassette subfamily A member 4; minus strand). Cytogenetic location: 1p22.1.
Variant type: single nucleotide variant.
Coding change: c.5836-167C>T on transcript NM_000350.3 (MANE Select); 167 bases into the intron before coding-DNA position 5836, C replaced by T.
Molecular consequence: intron variant.
Genome position (GRCh38, 1-based): chr1:94,008,464, G>A on the plus strand (C>T on the coding strand, the complement: ABCA4 is on the minus strand). VCF-style: chr1-94008464-G-A. GRCh37 (hg19) VCF-style: chr1-94474020-G-A.
Identifiers: ClinVar variation 678762 (VCV000678762.1), dbSNP rs1191234, ClinGen allele CA10905122.

ClinVar aggregate classification (germline): Benign (1 of 4 stars; one submission).

Allele frequency attached by ClinVar (database versions not stated): TOPMed 0.86518; gnomAD 0.86731 and 0.87323; 1000 Genomes Project 0.89117; 1000 Genomes Project 30x 0.89132.
gnomAD v4.1: 132,859 of 152,190 alleles (87%); highest among the groups gnomAD compares: East Asian, 99%; 58,317 homozygotes.

Submission:

GeneDx
Classification: Benign. Last evaluated: 2018-06-19. Review status: criteria provided, single submitter. Criteria: GeneDx Variant Classification (06012015). Collection method: clinical testing. Allele origin: germline. Affected: yes.
Comment: This variant is considered likely benign or benign based on one or more of the following criteria: it is a conservative change, it occurs at a poorly conserved position in the protein, it is predicted to be benign by multiple in silico algorithms, and/or has population frequency not consistent with disease.